The following is an entry in ClinVar:

ClinVar aggregate classification (germline): Pathogenic (1 of 4 stars; one submission).

Submission:

Labcorp Genetics (formerly Invitae), Labcorp
Classification: Pathogenic. Last evaluated: 2025-03-03. Review status: criteria provided, single submitter. Criteria: Invitae Variant Classification Sherloc (09022015). Collection method: clinical testing. Allele origin: germline.
Comment: This sequence change replaces tyrosine, which is neutral and polar, with aspartic acid, which is acidic and polar, at codon 819 of the NR3C2 protein (p.Tyr819Asp). This variant is not present in population databases (gnomAD no frequency). This missense change has been observed in individual(s) with pseudohypoaldosteronism (internal data). In at least one individual the variant was observed to be de novo. Invitae Evidence Modeling of protein sequence and biophysical properties (such as structural, functional, and spatial information, amino acid conservation, physicochemical variation, residue mobility, and thermodynamic stability) indicates that this missense variant is expected to disrupt NR3C2 protein function with a positive predictive value of 80%. For these reasons, this variant has been classified as Pathogenic.

NM_000901.5(NR3C2):c.2455T>G (p.Tyr819Asp)

Gene: NR3C2 (nuclear receptor subfamily 3 group C member 2; minus strand). Cytogenetic location: 4q31.23.
Variant type: single nucleotide variant.
Coding change: c.2455T>G on transcript NM_000901.5 (MANE Select); coding-DNA position 2455, T replaced by G.
Protein change: p.Tyr819Asp; replaces tyrosine 819 with aspartic acid.
Molecular consequence: missense variant.
Genome position (GRCh38, 1-based): chr4:148,152,524, A>C on the plus strand (T>G on the coding strand, the complement: NR3C2 is on the minus strand). VCF-style: chr4-148152524-A-C. GRCh37 (hg19) VCF-style: chr4-149073675-A-C.
Other names: c.2104T>G, p.Tyr702Asp (NM_001166104.2, NM_001354819.1); short protein forms Y702D, Y819D.
Identifiers: ClinVar variation 3707530 (VCV003707530.2).